The following is an entry in ClinVar:

ClinVar aggregate classification (germline): Uncertain significance (1 of 4 stars; one submission).

Conditions:
Sulfite oxidase deficiency due to molybdenum cofactor deficiency type C. Also called: Molybdenum cofactor deficiency, complementation group C; Molybdenum cofactor deficiency C. Identifiers: Orphanet 308400, Orphanet 833, MedGen C1854990, MONDO:0014212, OMIM 615501.

Allele frequency attached by ClinVar (database versions not stated): TOPMed below 0.00001.
gnomAD v4.1: 1 of 1,611,304 alleles (0.000062%); highest among the groups gnomAD compares: Non-Finnish European, 0.000085%; no homozygotes.

Submission:

Labcorp Genetics (formerly Invitae), Labcorp
Classification: Uncertain significance for Sulfite oxidase deficiency due to molybdenum cofactor deficiency type C. Last evaluated: 2023-04-07. Review status: criteria provided, single submitter. Criteria: Invitae Variant Classification Sherloc (09022015). Collection method: clinical testing. Allele origin: germline.
Comment: In summary, the available evidence is currently insufficient to determine the role of this variant in disease. Therefore, it has been classified as a Variant of Uncertain Significance. Advanced modeling of protein sequence and biophysical properties (such as structural, functional, and spatial information, amino acid conservation, physicochemical variation, residue mobility, and thermodynamic stability) performed at Invitae indicates that this missense variant is expected to disrupt GPHN protein function. This variant has not been reported in the literature in individuals affected with GPHN-related conditions. This variant is not present in population databases (gnomAD no frequency). This sequence change replaces aspartic acid, which is acidic and polar, with valine, which is neutral and non-polar, at codon 489 of the GPHN protein (p.Asp489Val).

NM_020806.5(GPHN):c.1466A>T (p.Asp489Val)

Gene: GPHN (gephyrin; plus strand). Cytogenetic location: 14q23.3.
Variant type: single nucleotide variant.
Coding change: c.1466A>T on transcript NM_020806.5 (MANE Select); coding-DNA position 1466, A replaced by T.
Protein change: p.Asp489Val; replaces aspartic acid 489 with valine.
Molecular consequence: missense variant.
Genome position (GRCh38, 1-based): chr14:67,111,913, A>T. VCF-style: chr14-67111913-A-T. GRCh37 (hg19) VCF-style: chr14-67578630-A-T.
Other names: c.1367A>T, p.Asp456Val (NM_001024218.2); c.1526A>T, p.Asp509Val (NM_001377514.1); c.1496A>T, p.Asp499Val (NM_001377515.1); c.1487A>T, p.Asp496Val (NM_001377516.1); c.1439A>T, p.Asp480Val (NM_001377517.1); c.1424A>T, p.Asp475Val (NM_001377518.1); c.1406A>T, p.Asp469Val (NM_001377519.1); short protein forms D469V, D496V, D480V, D489V, D499V, D509V, D456V, D475V.
Identifiers: ClinVar variation 2963340 (VCV002963340.3), dbSNP rs757030425, ClinGen allele CA390258345.
Genomic context (GRCh38, chr14:67,111,913, plus strand): 5'-TATTATAGGGCACTGAAGAACTTGAAGTGCGAATTCTGGTGCAAGCTCGGCCAGGCCAAG[A>T]TATCAGGTAACTTCAAAACACATAGAATATATAGCCTACTTTTGTTTCTACATGATCATT-3'
Protein context (NP_065857.1, residues 479-499): RILVQARPGQ[Asp489Val]IRPIGHDIKR